The following is an entry in ClinVar:

NM_152564.5(VPS13B):c.7780-25G>A

Gene: VPS13B (vacuolar protein sorting 13 homolog B; plus strand). Cytogenetic location: 8q22.2.
Variant type: single nucleotide variant.
Coding change: c.7780-25G>A on transcript NM_152564.5 (MANE Select); 25 bases into the intron before coding-DNA position 7780, G replaced by A.
Molecular consequence: intron variant.
Genome position (GRCh38, 1-based): chr8:99,784,290, G>A. VCF-style: chr8-99784290-G-A. GRCh37 (hg19) VCF-style: chr8-100796518-G-A.
Other names: c.7855-25G>A (NM_017890.5).
Identifiers: ClinVar variation 3347239 (VCV003347239.1).

ClinVar aggregate classification (germline): Likely benign (0 of 4 stars; one submission).

Conditions:
VPS13B-related disorder. Also called: VPS13B-related condition.

gnomAD v4.1: 1 of 1,613,446 alleles (0.000062%); highest among the groups gnomAD compares: Non-Finnish European, 0.000085%; no homozygotes.

Submission:

PreventionGenetics, part of Exact Sciences
Classification: Likely benign for VPS13B-related condition. Last evaluated: 2024-05-14. Review status: no assertion criteria provided. Collection method: clinical testing. Allele origin: germline.
Comment: This variant is classified as likely benign based on ACMG/AMP sequence variant interpretation guidelines (Richards et al. 2015 PMID: 25741868, with internal and published modifications).